The following is an entry in ClinVar:

ClinVar aggregate classification (germline): Pathogenic/Likely pathogenic. Review status: criteria provided, multiple submitters, no conflicts (2 of 4 stars). 2 submissions from 2 submitters: Pathogenic (1); Likely pathogenic (1). Last evaluated 2025-11-21.

Conditions:
Lethal congenital contractural syndrome Finnish type.

Submissions (2):

Natera, Inc.
Classification: Likely pathogenic for Lethal congenital contractural syndrome Finnish type. Last evaluated: 2025-11-21. Review status: criteria provided, single submitter. Criteria: Natera Variant Classification Schema (03/2026). Collection method: clinical testing. Allele origin: germline.
Comment: The c.683_687delTGAAG variant in GLE1 is a frameshift variant predicted to shift the reading frame beginning at codon 228 and leads to a stop codon 37 codons downstream. This variant is expected to result in nonsense mediated decay, truncation, or a dysfunctional protein product. This variant is rare in the general population with a frequency below the threshold expected for the associated phenotype(s). Given the available evidence, this variant is classified as Likely Pathogenic.

Labcorp Genetics (formerly Invitae), Labcorp
Classification: Pathogenic. Last evaluated: 2022-12-29. Review status: criteria provided, single submitter. Criteria: Invitae Variant Classification Sherloc (09022015). Collection method: clinical testing. Allele origin: germline.
Comment: This variant is not present in population databases (gnomAD no frequency). For these reasons, this variant has been classified as Pathogenic. ClinVar contains an entry for this variant (Variation ID: 1457247). This variant has not been reported in the literature in individuals affected with GLE1-related conditions. This sequence change creates a premature translational stop signal (p.Val228Alafs*37) in the GLE1 gene. It is expected to result in an absent or disrupted protein product. Loss-of-function variants in GLE1 are known to be pathogenic (PMID: 18204449, 24243016, 27684565).

Literature cited by the submitters: PubMed 18204449 (cited by Labcorp Genetics (formerly Invitae), Labcorp); PubMed 24243016 (cited by Labcorp Genetics (formerly Invitae), Labcorp); PubMed 27684565 (cited by Labcorp Genetics (formerly Invitae), Labcorp).

NM_001003722.2(GLE1):c.683_687del (p.Val228fs)

Gene: GLE1 (GLE1 RNA export mediator; plus strand). Cytogenetic location: 9q34.11.
Variant type: Deletion.
Coding change: c.683_687del on transcript NM_001003722.2 (MANE Select); coding-DNA positions 683 to 687, 5 bases deleted (TGAAG; older notation c.683_687delTGAAG).
Protein change: p.Val228fs; shifts the reading frame from valine 228.
Molecular consequence: frameshift variant.
Genome position (GRCh38, 1-based): chr9:128,523,632-128,523,636, TGAAG deleted; deleting any 5 consecutive bases within chr9:128,523,631-128,523,636 gives the same sequence; the c. name uses the placement nearest the transcript's 3' end. VCF-style (leftmost placement, unchanged base first): chr9-128523630-CGTGAA-C. GRCh37 (hg19) VCF-style: chr9-131285909-CGTGAA-C.
Other names: c.683_687del, p.Val228fs (NM_001499.2); c.683_687delTGAAG (NM_001003722.1); short protein forms V228fs.
Identifiers: ClinVar variation 1457247 (VCV001457247.7), dbSNP rs2132458311, ClinGen allele CA2573144021.